The following is an entry in ClinVar:

NM_001486.4(GCKR):c.1849del (p.Leu617fs)

Gene: GCKR (glucokinase regulator; plus strand). Cytogenetic location: 2p23.3.
Variant type: Deletion.
Coding change: c.1849del on transcript NM_001486.4 (MANE Select); coding-DNA position 1849, one base deleted (C; older notation c.1849delC).
Protein change: p.Leu617fs; shifts the reading frame from leucine 617.
Molecular consequence: frameshift variant.
Genome position (GRCh38, 1-based): chr2:27,523,410, C deleted; the last of 5 consecutive C bases (chr2:27,523,406-27,523,410); deleting any one gives the same sequence. VCF-style (leftmost placement, unchanged base first): chr2-27523405-AC-A. GRCh37 (hg19) VCF-style: chr2-27746272-AC-A.
Other names: short protein forms L617fs.
Identifiers: ClinVar variation 2955642 (VCV002955642.3), dbSNP rs2466161344, ClinGen allele CA2576918146.

ClinVar aggregate classification (germline): Uncertain significance (1 of 4 stars; one submission).

Submission:

Labcorp Genetics (formerly Invitae), Labcorp
Classification: Uncertain significance. Last evaluated: 2024-10-15. Review status: criteria provided, single submitter. Criteria: Invitae Variant Classification Sherloc (09022015). Collection method: clinical testing. Allele origin: germline.
Comment: This sequence change creates a premature translational stop signal (p.Leu617Serfs*4) in the GCKR gene. While this is not anticipated to result in nonsense mediated decay, it is expected to disrupt the last 9 amino acid(s) of the GCKR protein. This variant is not present in population databases (gnomAD no frequency). This variant has not been reported in the literature in individuals affected with GCKR-related conditions. Experimental studies and prediction algorithms are not available or were not evaluated, and the functional significance of this variant is currently unknown. In summary, the available evidence is currently insufficient to determine the role of this variant in disease. Therefore, it has been classified as a Variant of Uncertain Significance.